The following is an entry in ClinVar:

NM_012301.4(MAGI2):c.411G>A (p.Thr137=)

Gene: MAGI2 (membrane associated guanylate kinase, WW and PDZ domain containing 2; minus strand). Cytogenetic location: 7q21.11.
Variant type: single nucleotide variant.
Coding change: c.411G>A on transcript NM_012301.4 (MANE Select); coding-DNA position 411, G replaced by A.
Protein change: p.Thr137=; no amino-acid change (threonine 137 retained).
Molecular consequence: synonymous variant.
Genome position (GRCh38, 1-based): chr7:79,007,097, C>T on the plus strand (G>A on the coding strand, the complement: MAGI2 is on the minus strand). VCF-style: chr7-79007097-C-T. GRCh37 (hg19) VCF-style: chr7-78636413-C-T.
Other names: c.411G>A, p.Thr137= (NM_001301128.2); c.411G>A (NM_012301.3).
Identifiers: ClinVar variation 499736 (VCV000499736.12), dbSNP rs149568072, ClinGen allele CA4314283.

ClinVar aggregate classification (germline): Conflicting classifications of pathogenicity. Review status: criteria provided, conflicting classifications (1 of 4 stars). 5 submissions from 5 submitters: Uncertain significance (1); Likely benign (3). 1 of the submissions does not count toward it. Last evaluated 2026-06-11.

Conditions:
Nephrotic syndrome 15. Identifiers: MedGen C4539896, MONDO:0033262, OMIM 617609.
MAGI2-related disorder. Also called: MAGI2-related condition.

Allele frequency attached by ClinVar (database versions not stated): gnomAD exomes 0.00009 and 0.00008; 1000 Genomes Project 0.00060; gnomAD 0.00024; TOPMed 0.00018; ExAC 0.00007; ESP Exome Variant Server 0.00015; 1000 Genomes Project 30x 0.00062.
gnomAD v4.1: 148 of 1,603,802 alleles (0.0092%); highest among the groups gnomAD compares: African/African-American, 0.052%; no homozygotes.

Submissions (5):

Women's Health and Genetics/Laboratory Corporation of America, LabCorp
Classification: Likely benign. Last evaluated: 2026-06-11. Review status: criteria provided, single submitter. Criteria: LabCorp Variant Classification Summary - May 2015. Collection method: clinical testing. Allele origin: germline.

Fulgent Genetics
Classification: Likely benign for Nephrotic syndrome 15. Last evaluated: 2024-05-14. Review status: criteria provided, single submitter. Criteria: ACMG Guidelines, 2015. Collection method: clinical testing. Allele origin: germline.

Labcorp Genetics (formerly Invitae), Labcorp
Classification: Likely benign. Last evaluated: 2024-01-11. Review status: criteria provided, single submitter. Criteria: Invitae Variant Classification Sherloc (09022015). Collection method: clinical testing. Allele origin: germline.

Eurofins Ntd Llc (ga)
Classification: Uncertain significance. Last evaluated: 2017-01-25. Review status: criteria provided, single submitter. Criteria: EGL Classification Definitions 2015. Collection method: clinical testing. Allele origin: germline. Observed: 1 variant allele, 1 heterozygote.

PreventionGenetics, part of Exact Sciences
Classification: Likely benign for MAGI2-related condition. Last evaluated: 2024-06-09. Review status: no assertion criteria provided. Collection method: clinical testing. Allele origin: germline. Not counted in ClinVar's aggregate classification.
Comment: This variant is classified as likely benign based on ACMG/AMP sequence variant interpretation guidelines (Richards et al. 2015 PMID: 25741868, with internal and published modifications).